The following is an entry in ClinVar:

NM_000155.4(GALT):c.227C>A (p.Pro76His)

Genes: GALT (galactose-1-phosphate uridylyltransferase; plus strand), LOC130001683 (ATAC-STARR-seq lymphoblastoid active region 28314; plus strand). Cytogenetic location: 9p13.3.
Variant type: single nucleotide variant.
Coding change: c.227C>A on transcript NM_000155.4 (MANE Select); coding-DNA position 227, C replaced by A.
Protein change: p.Pro76His; replaces proline 76 with histidine.
Molecular consequence: missense variant.
Genome position (GRCh38, 1-based): chr9:34,647,233, C>A. VCF-style: chr9-34647233-C-A. GRCh37 (hg19) VCF-style: chr9-34647230-C-A.
Other names: p.Pro76His; c.25C>A, p.Leu9Met (NM_001258332.2); short protein forms L9M, P76H.
Identifiers: ClinVar variation 4541433 (VCV004541433.1).

ClinVar aggregate classification (germline): Uncertain significance (1 of 4 stars; one submission).

Submission:

Mayo Clinic Laboratories, Mayo Clinic
Classification: Uncertain significance. Last evaluated: 2025-09-15. Review status: criteria provided, single submitter. Criteria: ACMG Guidelines, 2015. Collection method: clinical testing. Allele origin: germline. Observed: 1 variant allele.
Comment: PP3_strong, PP4, PM2_supporting